The following is an entry in ClinVar:

NM_001875.5(CPS1):c.3661G>T (p.Glu1221Ter)

Gene: CPS1 (carbamoyl-phosphate synthase 1; plus strand). Cytogenetic location: 2q34.
Variant type: single nucleotide variant.
Coding change: c.3661G>T on transcript NM_001875.5 (MANE Select); coding-DNA position 3661, G replaced by T.
Protein change: p.Glu1221Ter; replaces glutamic acid 1221 with a stop codon.
Molecular consequence: nonsense. On other transcripts: non-coding transcript variant (2).
Genome position (GRCh38, 1-based): chr2:210,656,627, G>T. VCF-style: chr2-210656627-G-T. GRCh37 (hg19) VCF-style: chr2-211521351-G-T.
Other names: c.3661G>T, p.Glu1221Ter (NM_001122633.3, NM_001369257.1); c.3694G>T, p.Glu1232Ter (NM_001369256.1); short protein forms E1221*, E1232*.
Identifiers: ClinVar variation 1724552 (VCV001724552.2), dbSNP rs1433664240, ClinGen allele CA350438005.
Genomic context (GRCh38, chr2:210,656,627, plus strand): 5'-GTCCACTCGGGAGATGCCACTCTGATGCTGCCCACACAAACCATCAGCCAAGGGGCCATT[G>T]AAAAGGTCATCATTTATAAATAAAAGTGGAAGGGAAAAGGCAACACTCAGAAAAAAACAC-3'

ClinVar aggregate classification (germline): Likely pathogenic (1 of 4 stars; one submission).

Conditions:
Congenital hyperammonemia, type I. Also called: Carbamoyl phosphate synthetase 1 deficiency; Hyperammonemia due to carbamoyl phosphate synthetase 1 deficiency; CPS 1 deficiency; Carbamyl phosphate synthetase (CPS) deficiency; CPS I DEFICIENCY; Carbamoyl-phosphate synthase I deficiency. Identifiers: Orphanet 147, MedGen C4082171, MONDO:0009376, OMIM 237300.

Submission:

Myriad Genetics, Inc.
Classification: Likely pathogenic for Congenital hyperammonemia, type I. Last evaluated: 2022-02-19. Review status: criteria provided, single submitter. Criteria: Myriad Women's Health Autosomal Recessive and X-Linked Classification Criteria (2021). Collection method: clinical testing. Allele origin: unknown.
Comment: NM_001875.4(CPS1):c.3661G>T(E1221*) is expected to be pathogenic in the context of carbamoylphosphate synthetase I deficiency. This variant is predicted to lead to an abnormal or absent protein product due to the creation of a premature termination codon in CPS1, a gene where loss-of-function variants are known to be pathogenic. Please note: this variant was assessed in the context of healthy population screening.